The following is an entry in ClinVar:

NM_001372044.2(SHANK3):c.1304G>A (p.Gly435Asp)

Gene: SHANK3 (SH3 and multiple ankyrin repeat domains 3; plus strand). Cytogenetic location: 22q13.33.
Variant type: single nucleotide variant.
Coding change: c.1304G>A on transcript NM_001372044.2 (MANE Select); coding-DNA position 1304, G replaced by A.
Protein change: p.Gly435Asp; replaces glycine 435 with aspartic acid.
Molecular consequence: missense variant.
Genome position (GRCh38, 1-based): chr22:50,694,823, G>A. VCF-style: chr22-50694823-G-A. GRCh37 (hg19) VCF-style: chr22-51133251-G-A.
Other names: c.1079G>A (NM_033517.1); short protein forms G435D.
Identifiers: ClinVar variation 3343825 (VCV003343825.1).

ClinVar aggregate classification (germline): Uncertain significance (1 of 4 stars; one submission).

Submission:

GeneDx
Classification: Uncertain significance. Last evaluated: 2023-05-23. Review status: criteria provided, single submitter. Criteria: GeneDx Variant Classification Process June 2021. Collection method: clinical testing. Allele origin: germline. Affected: yes.
Comment: Not observed at significant frequency in large population cohorts (gnomAD); In silico analysis supports that this missense variant does not alter protein structure/function; Has not been previously published as pathogenic or benign to our knowledge